The following is an entry in ClinVar:

ClinVar aggregate classification (germline): Uncertain significance (1 of 4 stars; one submission).

gnomAD v4.1: 5 of 1,541,290 alleles (0.00032%); highest among the groups gnomAD compares: Non-Finnish European, 0.00044%; no homozygotes.

Submission:

Women's Health and Genetics/Laboratory Corporation of America, LabCorp
Classification: Uncertain significance. Last evaluated: 2021-07-20. Review status: criteria provided, single submitter. Criteria: LabCorp Variant Classification Summary - May 2015. Collection method: clinical testing. Allele origin: germline.
Comment: Variant summary: CFTR c.744-34A>T is located at a position not widely known to affect splicing. Several computational tools predict a significant impact on splicing: Four predict the variant abolishes a cryptic 3' acceptor site. However, these predictions have yet to be confirmed by functional studies. The variant was absent in 163440 control chromosomes. The available data on variant occurrences in the general population are insufficient to allow any conclusion about variant significance. To our knowledge, no occurrence of c.744-34A>T in individuals affected with Chronic Pancreatitis Risk and no experimental evidence demonstrating its impact on protein function have been reported. No clinical diagnostic laboratories have submitted clinical-significance assessments for this variant to ClinVar after 2014. Based on the evidence outlined above, the variant was classified as VUS-possibly benign.

NM_000492.4(CFTR):c.744-34A>T

Gene: CFTR (CF transmembrane conductance regulator; plus strand). Cytogenetic location: 7q31.2.
Variant type: single nucleotide variant.
Coding change: c.744-34A>T on transcript NM_000492.4 (MANE Select); 34 bases into the intron before coding-DNA position 744, A replaced by T.
Molecular consequence: intron variant.
Genome position (GRCh38, 1-based): chr7:117,536,514, A>T. VCF-style: chr7-117536514-A-T. GRCh37 (hg19) VCF-style: chr7-117176568-A-T.
Identifiers: ClinVar variation 1192221 (VCV001192221.1), dbSNP rs897890349, ClinGen allele CA4450824.